The following is an entry in ClinVar:

ClinVar aggregate classification (germline): Likely pathogenic. Review status: criteria provided, multiple submitters, no conflicts (2 of 4 stars). 2 submissions from 2 submitters: Likely pathogenic (2). Last evaluated 2025-01-06.

Conditions:
Maple syrup urine disease (MSUD). Identifiers: Orphanet 511, MedGen C0024776, MeSH D008375, MONDO:0009563. Disease mechanism: loss of function.
Maple syrup urine disease type 2 (MSUD2). Also called: Maple syrup urine disease, type II. Identifiers: MedGen C1855371, MONDO:0023693, OMIM 620699.

Allele frequency attached by ClinVar (database versions not stated): gnomAD exomes below 0.00001.
gnomAD v4.1: 1 of 1,612,590 alleles (0.000062%); highest among the groups gnomAD compares: Non-Finnish European, 0.000085%; no homozygotes.

Submissions (2):

Myriad Genetics, Inc.
Classification: Likely pathogenic for Maple syrup urine disease type 2. Last evaluated: 2025-01-06. Review status: criteria provided, single submitter. Criteria: Myriad Autosomal Dominant, Autosomal Recessive and X-Linked Classification Criteria (2023). Collection method: clinical testing. Allele origin: unknown.
Comment: NM_001918.3(DBT):c.1196C>G(S399C) is a missense variant classified as likely pathogenic in the context of maple syrup urine disease type II. S399C has been observed in cases with relevant disease (PMID: 30228974). Relevant functional assessments of this variant are not available in the literature. S399C has not been observed in referenced population frequency databases. In summary, NM_001918.3(DBT):c.1196C>G(S399C) is a missense variant that has been observed more frequently in cases with the relevant disease than in healthy populations. Please note: this variant was assessed in the context of healthy population screening.

3billion
Classification: Likely pathogenic for Maple syrup urine disease type 1A. Last evaluated: 2022-01-03. Review status: criteria provided, single submitter. Criteria: ACMG Guidelines, 2015. Collection method: clinical testing. Allele origin: germline. Affected: yes. Observed: 1 heterozygote.
Comment: A different missense change at the same codon has been reported to be associated with DBT related disorder (PMID:27243974, PM5_P). In silico tool predictions suggest damaging effect of the variant on gene or gene product (REVEL: 0.781, PP3_P). It is not observed in the gnomAD v2.1.1 dataset (PM2_M). The variant has been reported to be in trans with a pathogenic variant as either compound heterozygous or homozygous in at least one similarly affected unrelated individual (PMID: 30228974, PM3_M). Therefore, this variant is classified as likely pathogenic according to the recommendation of ACMG/AMP guideline.

Literature cited by the submitters: PubMed 30228974 (cited by Myriad Genetics, Inc. and 3billion); PubMed 27243974 (cited by 3billion).

NM_001918.5(DBT):c.1196C>G (p.Ser399Cys)

Gene: DBT (dihydrolipoamide branched chain transacylase E2; minus strand). Cytogenetic location: 1p21.2.
Variant type: single nucleotide variant.
Coding change: c.1196C>G on transcript NM_001918.5 (MANE Select); coding-DNA position 1196, C replaced by G.
Protein change: p.Ser399Cys; replaces serine 399 with cysteine.
Molecular consequence: missense variant.
Genome position (GRCh38, 1-based): chr1:100,206,458, G>C on the plus strand (C>G on the coding strand, the complement: DBT is on the minus strand). VCF-style: chr1-100206458-G-C. GRCh37 (hg19) VCF-style: chr1-100672014-G-C.
Other names: short protein forms S399C.
Identifiers: ClinVar variation 1333259 (VCV001333259.2), dbSNP rs2100779875, ClinGen allele CA341330329.